The following is an entry in ClinVar:

NM_001172173.2(CSRNP3):c.1164C>T (p.Asp388=)

Gene: CSRNP3 (cysteine and serine rich nuclear protein 3; plus strand). Cytogenetic location: 2q24.3.
Variant type: single nucleotide variant.
Coding change: c.1164C>T on transcript NM_001172173.2 (MANE Select); coding-DNA position 1164, C replaced by T.
Protein change: p.Asp388=; no amino-acid change (aspartic acid 388 retained).
Molecular consequence: synonymous variant.
Genome position (GRCh38, 1-based): chr2:165,679,159, C>T. VCF-style: chr2-165679159-C-T. GRCh37 (hg19) VCF-style: chr2-166535669-C-T.
Other names: c.1164C>T, p.Asp388= (NM_024969.3).
Identifiers: ClinVar variation 2651494 (VCV002651494.24), dbSNP rs375174523, ClinGen allele CA1940705.
Genomic context (GRCh38, chr2:165,679,159, plus strand): 5'-GTCAGACGAGGAGGAGGAGGAAGAAGAAGAGGAAGAGGAGGAGGAGGATGACGATGATGA[C>T]AAAGGAGATGGCTTCGTGGAAGGTTTGGGCACCCATGCCGAAGTTGTCCCTCTTCCTTCA-3'
Protein context (NP_001165644.1, residues 378-398): EEEEEEDDDD[Asp388=]KGDGFVEGLG

ClinVar aggregate classification (germline): Likely benign (1 of 4 stars; one submission).

Allele frequency attached by ClinVar (database versions not stated): gnomAD exomes 0.00001; ExAC 0.00002; ESP Exome Variant Server 0.00008.
gnomAD v4.1: 11 of 1,613,792 alleles (0.00068%); highest among the groups gnomAD compares: African/African-American, 0.008%; no homozygotes.

Submission:

CeGaT Center for Human Genetics Tuebingen
Classification: Likely benign. Last evaluated: 2022-04-01. Review status: criteria provided, single submitter. Criteria: CeGaT Center For Human Genetics Tuebingen Variant Classification Criteria Version 2. Collection method: clinical testing. Allele origin: germline. Affected: yes. Observed: 1 variant allele.
Comment: CSRNP3: BP4, BP7